The following is an entry in ClinVar:

NM_001458.5(FLNC):c.1657G>A (p.Gly553Ser)

Gene: FLNC (filamin C; plus strand). Cytogenetic location: 7q32.1.
Variant type: single nucleotide variant.
Coding change: c.1657G>A on transcript NM_001458.5 (MANE Select); coding-DNA position 1657, G replaced by A.
Protein change: p.Gly553Ser; replaces glycine 553 with serine.
Molecular consequence: missense variant.
Genome position (GRCh38, 1-based): chr7:128,840,655, G>A. VCF-style: chr7-128840655-G-A. GRCh37 (hg19) VCF-style: chr7-128480709-G-A.
Other names: c.1657G>A, p.Gly553Ser (NM_001127487.2); short protein forms G553S.
Identifiers: ClinVar variation 471985 (VCV000471985.63), dbSNP rs201572079, ClinGen allele CA4474424.
Genomic context (GRCh38, chr7:128,840,655, plus strand): 5'-TTCGAGTGCGAGTACTACCCGGTGGTGCCTGGGAAGTATGTGGTGACCATCACGTGGGGC[G>A]GCTACGCCATCCCTCGCAGGTGAGTACCTTGCGCCCCCCATGCTGTCCTGTCTAGGCCAT-3'
Protein context (NP_001449.3, residues 543-563): GKYVVTITWG[Gly553Ser]YAIPRSPFEV

ClinVar aggregate classification (germline): Benign/Likely benign. Review status: criteria provided, multiple submitters, no conflicts (2 of 4 stars). 7 submissions from 7 submitters: Benign (1); Likely benign (5). 1 of the submissions does not count toward it. Last evaluated 2026-01-28.

Conditions:
Cardiovascular phenotype. Identifiers: MedGen CN230736.
FLNC-related disorder. Also called: FLNC-related condition; FLNC-related disorders.
Hypertrophic cardiomyopathy 26. Also called: Cardiomyopathy, familial hypertrophic, 26. Identifiers: Orphanet 75249, MedGen C4310749, MONDO:0014883, OMIM 617047.
Myofibrillar myopathy 5. Also called: Filaminopathy (type); FILAMINOPATHY, AUTOSOMAL DOMINANT. Identifiers: Orphanet 171445, MedGen C1836050, MONDO:0012289, OMIM 609524.
Distal myopathy with posterior leg and anterior hand involvement. Also called: WILLIAMS DISTAL MYOPATHY. Identifiers: Orphanet 63273, MedGen C3279722, MONDO:0013550, OMIM 614065.

Allele frequency attached by ClinVar (database versions not stated): gnomAD 0.00015 and 0.00017; gnomAD exomes 0.00016 and 0.00030; TOPMed 0.00023; ESP Exome Variant Server 0.00024; ExAC 0.00031.
gnomAD v4.1: 267 of 1,614,096 alleles (0.017%); highest among the groups gnomAD compares: Non-Finnish European, 0.012%; no homozygotes.

Submissions (7):

Labcorp Genetics (formerly Invitae), Labcorp
Classification: Likely benign for Distal myopathy with posterior leg and anterior hand involvement; Myofibrillar myopathy 5; Hypertrophic cardiomyopathy 26. Last evaluated: 2026-01-28. Review status: criteria provided, single submitter. Criteria: Invitae Variant Classification Sherloc (09022015). Collection method: clinical testing. Allele origin: germline.

Women's Health and Genetics/Laboratory Corporation of America, LabCorp
Classification: Likely benign. Last evaluated: 2024-10-28. Review status: criteria provided, single submitter. Criteria: LabCorp Variant Classification Summary - May 2015. Collection method: clinical testing. Allele origin: germline.
Comment: Variant summary: FLNC c.1657G>A (p.Gly553Ser) results in a non-conservative amino acid change in the encoded protein sequence. Five of five in-silico tools predict a damaging effect of the variant on protein function. The variant allele was found at a frequency of 0.0003 in 249540 control chromosomes. The observed variant frequency is approximately 38.47 fold of the estimated maximal expected allele frequency for a pathogenic variant in FLNC causing Dilated Cardiomyopathy phenotype (7.8e-06). To our knowledge, no occurrence of c.1657G>A in individuals affected with Dilated Cardiomyopathy and no experimental evidence demonstrating its impact on protein function have been reported. ClinVar contains an entry for this variant (Variation ID: 471985). Based on the evidence outlined above, the variant was classified as likely benign.

Blueprint Genetics
Classification: Likely benign. Last evaluated: 2024-03-22. Review status: criteria provided, single submitter. Criteria: ACMG Guidelines, 2015. Collection method: clinical testing. Allele origin: germline.

CeGaT Center for Human Genetics Tuebingen
Classification: Benign. Last evaluated: 2024-02-01. Review status: criteria provided, single submitter. Criteria: CeGaT Center For Human Genetics Tuebingen Variant Classification Criteria Version 2. Collection method: clinical testing. Allele origin: germline. Affected: yes. Observed: 3 variant alleles.
Comment: FLNC: BS1, BS2

GeneDx
Classification: Likely benign. Last evaluated: 2021-02-11. Review status: criteria provided, single submitter. Criteria: GeneDx Variant Classification Process June 2021. Collection method: clinical testing. Allele origin: germline. Affected: yes.
Comment: Has not been previously published as pathogenic or benign to our knowledge; In silico analysis, which includes protein predictors and evolutionary conservation, supports a deleterious effect

Ambry Genetics
Classification: Likely benign for Cardiovascular phenotype. Last evaluated: 2019-01-02. Review status: criteria provided, single submitter. Criteria: Ambry Variant Classification Scheme 2023. Collection method: clinical testing. Allele origin: germline.

PreventionGenetics, part of Exact Sciences
Classification: Likely benign for FLNC-related condition. Last evaluated: 2020-04-06. Review status: no assertion criteria provided. Collection method: clinical testing. Allele origin: germline. Not counted in ClinVar's aggregate classification.
Comment: This variant is classified as likely benign based on ACMG/AMP sequence variant interpretation guidelines (Richards et al. 2015 PMID: 25741868, with internal and published modifications).